The following is an entry in ClinVar:

NM_014639.4(SKIC3):c.3614_3615insT (p.Gln1205fs)

Gene: SKIC3 (SKI3 subunit of superkiller complex; minus strand). Cytogenetic location: 5q15.
Variant type: Insertion.
Coding change: c.3614_3615insT on transcript NM_014639.4 (MANE Select); coding-DNA positions 3614 to 3615, T inserted.
Protein change: p.Gln1205fs; shifts the reading frame from glutamine 1205.
Molecular consequence: frameshift variant.
Genome position: GRCh38 VCF-style: chr5-95497437-C-CA. GRCh37 (hg19) VCF-style: chr5-94833141-C-CA.
Other names: short protein forms Q1205fs.
Identifiers: ClinVar variation 2720138 (VCV002720138.3), dbSNP rs2530717725, ClinGen allele CA2578377490.

ClinVar aggregate classification (germline): Pathogenic (1 of 4 stars; one submission).

Allele frequency attached by ClinVar (database versions not stated): gnomAD exomes below 0.00001.

Submission:

Labcorp Genetics (formerly Invitae), Labcorp
Classification: Pathogenic. Last evaluated: 2025-11-03. Review status: criteria provided, single submitter. Criteria: Invitae Variant Classification Sherloc (09022015). Collection method: clinical testing. Allele origin: germline.
Comment: This sequence change creates a premature translational stop signal (p.Gln1205Hisfs*47) in the TTC37 gene. It is expected to result in an absent or disrupted protein product. Loss-of-function variants in TTC37 are known to be pathogenic (PMID: 20176027, 21120949). This variant is not present in population databases (gnomAD no frequency). This variant has not been reported in the literature in individuals affected with TTC37-related conditions. ClinVar contains an entry for this variant (Variation ID: 2720138). For these reasons, this variant has been classified as Pathogenic.

Literature cited by the submitters: PubMed 20176027; PubMed 21120949.